The following is an entry in ClinVar:

NM_004260.4(RECQL4):c.446C>T (p.Pro149Leu)

Gene: RECQL4 (RecQ like helicase 4; minus strand). Cytogenetic location: 8q24.3.
Variant type: single nucleotide variant.
Coding change: c.446C>T on transcript NM_004260.4 (MANE Select); coding-DNA position 446, C replaced by T.
Protein change: p.Pro149Leu; replaces proline 149 with leucine.
Molecular consequence: missense variant.
Genome position (GRCh38, 1-based): chr8:144,516,673, G>A on the plus strand (C>T on the coding strand, the complement: RECQL4 is on the minus strand). VCF-style: chr8-144516673-G-A. GRCh37 (hg19) VCF-style: chr8-145742057-G-A.
Other names: short protein forms P149L.
Identifiers: ClinVar variation 406988 (VCV000406988.8), dbSNP rs773579080, ClinGen allele CA4949290.

ClinVar aggregate classification (germline): Uncertain significance. Review status: criteria provided, multiple submitters, no conflicts (2 of 4 stars). 3 submissions from 3 submitters: Uncertain significance (3). Last evaluated 2024-11-18.

Conditions:
Inborn genetic diseases. Identifiers: MedGen C0950123, MeSH D030342.
Rothmund-Thomson syndrome type 2 (RTS2). Identifiers: Orphanet 221016, MedGen C5203410, MONDO:0016369, OMIM 268400.
Baller-Gerold syndrome (BGS). Also called: CRANIOSYNOSTOSIS WITH RADIAL DEFECTS. Identifiers: Orphanet 1225, MedGen C0265308, MONDO:0009039, OMIM 218600.

Allele frequency attached by ClinVar (database versions not stated): gnomAD 0.00001; TOPMed 0.00002.
gnomAD v4.1: 50 of 1,594,998 alleles (0.0031%); highest among the groups gnomAD compares: Non-Finnish European, 0.0036%; no homozygotes.

Submissions (3):

Ambry Genetics
Classification: Uncertain significance for Inborn genetic diseases. Last evaluated: 2024-11-18. Review status: criteria provided, single submitter. Criteria: Ambry Variant Classification Scheme 2023. Collection method: clinical testing. Allele origin: germline.
Comment: The p.P149L variant (also known as c.446C>T), located in coding exon 5 of the RECQL4 gene, results from a C to T substitution at nucleotide position 446. The proline at codon 149 is replaced by leucine, an amino acid with similar properties. This amino acid position is conserved. In addition, this alteration is predicted to be tolerated by in silico analysis. Based on the available evidence, the clinical significance of this variant remains unclear.

Labcorp Genetics (formerly Invitae), Labcorp
Classification: Uncertain significance for Baller-Gerold syndrome. Last evaluated: 2024-08-07. Review status: criteria provided, single submitter. Criteria: Invitae Variant Classification Sherloc (09022015). Collection method: clinical testing. Allele origin: germline.
Comment: This sequence change replaces proline, which is neutral and non-polar, with leucine, which is neutral and non-polar, at codon 149 of the RECQL4 protein (p.Pro149Leu). This variant is present in population databases (rs773579080, gnomAD 0.003%). This variant has not been reported in the literature in individuals affected with RECQL4-related conditions. ClinVar contains an entry for this variant (Variation ID: 406988). Advanced modeling of protein sequence and biophysical properties (such as structural, functional, and spatial information, amino acid conservation, physicochemical variation, residue mobility, and thermodynamic stability) performed at Invitae indicates that this missense variant is not expected to disrupt RECQL4 protein function with a negative predictive value of 80%. Algorithms developed to predict the effect of sequence changes on RNA splicing suggest that this variant may create or strengthen a splice site. In summary, the available evidence is currently insufficient to determine the role of this variant in disease. Therefore, it has been classified as a Variant of Uncertain Significance.

St. Jude Molecular Pathology, St. Jude Children's Research Hospital
Classification: Uncertain significance for Rothmund-Thomson syndrome type 2. Last evaluated: 2023-02-22. Review status: criteria provided, single submitter. Criteria: St. Jude Assertion Criteria 2020. Collection method: clinical testing. Allele origin: germline.
Comment: The RECQL4 c.446C>T (p.Pro149Leu) missense change has a maximum subpopulation frequency of 0.0029% in gnomAD v2.1.1. In silico tools predict a benign effect of this variant on protein function, but to our knowledge functional studies have not been performed. To our knowledge, this variant has not been reported in individuals with RECQL4-associated conditions. In summary, the evidence currently available is insufficient to determine the clinical significance of this variant. It has therefore been classified as of uncertain significance.